The following is an entry in ClinVar:

NM_001292034.3(TAB2):c.508C>T (p.Gln170Ter)

Gene: TAB2 (TGF-beta activated kinase 1 (MAP3K7) binding protein 2; plus strand). Cytogenetic location: 6q25.1.
Variant type: single nucleotide variant.
Coding change: c.508C>T on transcript NM_001292034.3 (MANE Select); coding-DNA position 508, C replaced by T.
Protein change: p.Gln170Ter; replaces glutamine 170 with a stop codon.
Molecular consequence: nonsense.
Genome position (GRCh38, 1-based): chr6:149,378,423, C>T. VCF-style: chr6-149378423-C-T. GRCh37 (hg19) VCF-style: chr6-149699559-C-T.
Other names: c.412C>T, p.Gln138Ter (NM_001292035.3); c.508C>T, p.Gln170Ter (NM_001369506.1, NM_015093.6); short protein forms Q138*, Q170*.
Identifiers: ClinVar variation 3253321 (VCV003253321.1), dbSNP rs2483386574.

ClinVar aggregate classification (germline): Pathogenic (1 of 4 stars; one submission).

Submission:

GeneDx
Classification: Pathogenic. Last evaluated: 2023-12-09. Review status: criteria provided, single submitter. Criteria: GeneDx Variant Classification Process June 2021. Collection method: clinical testing. Allele origin: germline. Affected: yes.
Comment: Nonsense variant predicted to result in protein truncation or nonsense mediated decay in a gene for which loss of function is a known mechanism of disease; Not observed at significant frequency in large population cohorts (gnomAD); Has not been previously published as pathogenic or benign to our knowledge